The following is an entry in ClinVar:

NM_024496.4(IRF2BPL):c.672_680del (p.Val225_Ser227del)

Gene: IRF2BPL (interferon regulatory factor 2 binding protein like; minus strand). Cytogenetic location: 14q24.3.
Variant type: Deletion.
Coding change: c.672_680del on transcript NM_024496.4 (MANE Select); coding-DNA positions 672 to 680, 9 bases deleted (GGTGGCGTC; older notation c.672_680delGGTGGCGTC).
Protein change: p.Val225_Ser227del.
Genome position (GRCh38, 1-based): chr14:77,027,113-77,027,121, GACGCCACC deleted on the plus strand (GGTGGCGTC on the coding strand, the reverse complement: IRF2BPL is on the minus strand); deleting any 9 consecutive bases within chr14:77,027,113-77,027,127 gives the same sequence; the c. name uses the placement nearest the transcript's 3' end. VCF-style (leftmost placement, unchanged base first): chr14-77027112-AGACGCCACC-A. GRCh37 (hg19) VCF-style: chr14-77493455-AGACGCCACC-A.
Identifiers: ClinVar variation 3054029 (VCV003054029.2), dbSNP rs753571823, ClinGen allele CA7283870.

ClinVar aggregate classification (germline): Likely benign (0 of 4 stars; one submission).

Conditions:
IRF2BPL-related disorder. Also called: IRF2BPL-related condition. Identifiers: MedGen CN381093.

Submission:

PreventionGenetics, part of Exact Sciences
Classification: Likely benign for IRF2BPL-related condition. Last evaluated: 2022-04-06. Review status: no assertion criteria provided. Collection method: clinical testing. Allele origin: germline.
Comment: This variant is classified as likely benign based on ACMG/AMP sequence variant interpretation guidelines (Richards et al. 2015 PMID: 25741868, with internal and published modifications).